The following is an entry in ClinVar:

NM_001376.5(DYNC1H1):c.7876A>G (p.Thr2626Ala)

Gene: DYNC1H1 (dynein cytoplasmic 1 heavy chain 1; plus strand). Cytogenetic location: 14q32.31.
Variant type: single nucleotide variant.
Coding change: c.7876A>G on transcript NM_001376.5 (MANE Select); coding-DNA position 7876, A replaced by G.
Protein change: p.Thr2626Ala; replaces threonine 2626 with alanine.
Molecular consequence: missense variant.
Genome position (GRCh38, 1-based): chr14:102,017,115, A>G. VCF-style: chr14-102017115-A-G. GRCh37 (hg19) VCF-style: chr14-102483452-A-G.
Other names: short protein forms T2626A.
Identifiers: ClinVar variation 3381497 (VCV003381497.1).
Genomic context (GRCh38, chr14:102,017,115, plus strand): 5'-CTTACAGTGTGGTTTTGTGTCTTCCCTCCAAAGGTGGTGGGTCTCAACTTCTCCAGTGCT[A>G]CTACTCCAGAGCTGCTTCTGAAGACTTTTGATCACTACTGCGAGTACAGGCGCACACCTA-3'
Protein context (NP_001367.2, residues 2616-2636): EVVGLNFSSA[Thr2626Ala]TPELLLKTFD

ClinVar aggregate classification (germline): Uncertain significance (1 of 4 stars; one submission).

Submission:

GeneDx
Classification: Uncertain significance. Last evaluated: 2024-05-14. Review status: criteria provided, single submitter. Criteria: GeneDx Variant Classification Process June 2021. Collection method: clinical testing. Allele origin: germline. Affected: yes.
Comment: Not observed at significant frequency in large population cohorts (gnomAD); In silico analysis supports that this missense variant has a deleterious effect on protein structure/function; Has not been previously published as pathogenic or benign to our knowledge; This variant is associated with the following publications: (PMID: 25512093, 25609763, 26100331)